The following is an entry in ClinVar:

ClinVar aggregate classification (germline): Uncertain significance (1 of 4 stars; one submission).

Conditions:
Leigh syndrome (NULS). Also called: Leigh's necrotizing encephalopathy; Leigh's disease; Leigh Syndrome (mtDNA deletion); Leigh Disease; Subacute necrotizing encephalopathy; Necrotizing encephalopathy infantile subacute of Leigh. Identifiers: Orphanet 506, MedGen C2931891, MONDO:0009723, OMIM 256000.

Submission:

Wong Mito Lab, Molecular and Human Genetics, Baylor College of Medicine
Classification: Uncertain significance for Leigh syndrome. Last evaluated: 2019-10-17. Review status: criteria provided, single submitter. Criteria: Modified ACMG Guidelines (Unpublished). Collection method: clinical testing. Allele origin: germline.
Comment: The NC_012920.1:m.12448T>C (YP_003024036.1:p.Ser38Pro) variant in MTND5 gene is interpretated to be a Uncertain Significance variant based on the modified ACMG guidelines (unpublished). This variant meets the following evidence codes: PP7, BP4

NC_012920.1(MT-ND5):m.12448T>C

Gene: MT-ND5 (mitochondrially encoded NADH dehydrogenase 5; plus strand).
Variant type: single nucleotide variant.
Genome position: chrM-12448-T-C.
Identifiers: ClinVar variation 693445 (VCV000693445.1), dbSNP rs1603223748, ClinGen allele CA414813208.